The following is an entry in ClinVar:

ClinVar aggregate classification (germline): Pathogenic. Review status: criteria provided, single submitter (1 of 4 stars). 2 submissions from 2 submitters: Pathogenic (1). 1 of the submissions does not count toward it. Last evaluated 2019-06-05.

Conditions:
Growth and developmental delay-hypotonia-vision impairment-lactic acidosis syndrome. Also called: Combined oxidative phosphorylation deficiency 18. Identifiers: Orphanet 391348, MedGen C3810001, MONDO:0014261, OMIM 615578.

Submissions (2):

Institute of Human Genetics, University of Leipzig Medical Center
Classification: Pathogenic for Growth and developmental delay-hypotonia-vision impairment-lactic acidosis syndrome. Last evaluated: 2019-06-05. Review status: criteria provided, single submitter. Criteria: ACMG Guidelines, 2015. Collection method: clinical testing. Allele origin: paternal. Inheritance: Autosomal recessive inheritance. Affected: yes.
Comment: Criteria applied: PVS1,PM2_SUP,PM3_SUP

OMIM
Classification: Pathogenic for COMBINED OXIDATIVE PHOSPHORYLATION DEFICIENCY 18. Last evaluated: 2013-11-07. Review status: no assertion criteria provided. Collection method: literature only. Allele origin: germline. Not counted in ClinVar's aggregate classification.

Literature cited by the submitters: PubMed 24119684 (cited by OMIM).

NM_213649.2(SFXN4):c.233del (p.Pro78fs)

Gene: SFXN4 (sideroflexin 4; minus strand). Cytogenetic location: 10q26.11.
Variant type: Deletion.
Coding change: c.233del on transcript NM_213649.2 (MANE Select); coding-DNA position 233, one base deleted (C; older notation c.233delC).
Protein change: p.Pro78fs; shifts the reading frame from proline 78.
Molecular consequence: frameshift variant. On other transcripts: non-coding transcript variant (1).
Genome position (GRCh38, 1-based): chr10:119,162,359, G deleted on the plus strand (C on the coding strand, the reverse complement: SFXN4 is on the minus strand); the first of 3 consecutive G bases (chr10:119,162,359-119,162,361); deleting any one gives the same sequence. VCF-style (leftmost placement, unchanged base first): chr10-119162358-AG-A. GRCh37 (hg19) VCF-style: chr10-120921870-AG-A.
Other names: short protein forms P78fs.
Identifiers: ClinVar variation 92098 (VCV000092098.3), dbSNP rs398124642, ClinGen allele CA145490.
Genomic context (GRCh38, chr10:119,162,358, plus strand): 5'-CATCTGAGGGCAACCAGCCAGACCTGAGCACGTGAAACATACCCTTTGGTCCGCCGAGGC[AG>A]GGCTGGAAACATCTTCATTTGTGCACAATAGTTGCCTCGAGTTTTCTATACTTTCCTAAA-3'